The following is an entry in ClinVar:

ClinVar aggregate classification (germline): Uncertain significance. Review status: criteria provided, multiple submitters, no conflicts (2 of 4 stars). 3 submissions from 3 submitters: Uncertain significance (3). Last evaluated 2026-02-02.

Conditions:
PCNT-related disorder. Also called: PCNT-related condition.
Inborn genetic diseases. Identifiers: MedGen C0950123, MeSH D030342.

Allele frequency attached by ClinVar (database versions not stated): ESP Exome Variant Server 0.00008.
gnomAD v4.1: 128 of 1,613,930 alleles (0.0079%); highest among the groups gnomAD compares: Non-Finnish European, 0.01%; no homozygotes.

Submissions (3):

PreventionGenetics, part of Exact Sciences
Classification: Uncertain significance for PCNT-related condition. Last evaluated: 2026-02-02. Review status: criteria provided, single submitter. Criteria: ACMG Guidelines, 2015. Collection method: clinical testing. Allele origin: germline.
Comment: The PCNT c.7268C>G variant is predicted to result in the amino acid substitution p.Pro2423Arg. To our knowledge, this variant has not been reported in the literature. This variant is reported in 0.012% of alleles in individuals of European (Non-Finnish) descent in gnomAD. At this time, the clinical significance of this variant is uncertain due to the absence of conclusive functional and genetic evidence.

Labcorp Genetics (formerly Invitae), Labcorp
Classification: Uncertain significance. Last evaluated: 2026-01-14. Review status: criteria provided, single submitter. Criteria: Invitae Variant Classification Sherloc (09022015). Collection method: clinical testing. Allele origin: germline.
Comment: This sequence change replaces proline, which is neutral and non-polar, with arginine, which is basic and polar, at codon 2423 of the PCNT protein (p.Pro2423Arg). This variant is present in population databases (rs368505053, gnomAD 0.01%). This variant has not been reported in the literature in individuals affected with PCNT-related conditions. ClinVar contains an entry for this variant (Variation ID: 2349370). An algorithm developed to predict the effect of missense changes on protein structure and function (PolyPhen-2) suggests that this variant is likely to be tolerated. In summary, the available evidence is currently insufficient to determine the role of this variant in disease. Therefore, it has been classified as a Variant of Uncertain Significance.

Ambry Genetics
Classification: Uncertain significance for Inborn genetic diseases. Last evaluated: 2025-01-22. Review status: criteria provided, single submitter. Criteria: Ambry Variant Classification Scheme 2023. Collection method: clinical testing. Allele origin: germline.

NM_006031.6(PCNT):c.7268C>G (p.Pro2423Arg)

Gene: PCNT (pericentrin; plus strand). Cytogenetic location: 21q22.3.
Variant type: single nucleotide variant.
Coding change: c.7268C>G on transcript NM_006031.6 (MANE Select); coding-DNA position 7268, C replaced by G.
Protein change: p.Pro2423Arg; replaces proline 2423 with arginine.
Molecular consequence: missense variant.
Genome position (GRCh38, 1-based): chr21:46,425,919, C>G. VCF-style: chr21-46425919-C-G. GRCh37 (hg19) VCF-style: chr21-47845833-C-G.
Other names: c.6914C>G, p.Pro2305Arg (NM_001315529.2); short protein forms P2305R, P2423R.
Identifiers: ClinVar variation 2349370 (VCV002349370.8), dbSNP rs368505053, ClinGen allele CA10080591.